The following is an entry in ClinVar:

NM_001010909.5(MUC21):c.1113G>A (p.Gly371=)

Genes: MUC21 (mucin 21, cell surface associated; plus strand), LOC126859647 (CDK7 strongly-dependent group 2 enhancer GRCh37_chr6:30954612-30955811; plus strand). Cytogenetic location: 6p21.33.
Variant type: single nucleotide variant.
Coding change: c.1113G>A on transcript NM_001010909.5 (MANE Select); coding-DNA position 1113, G replaced by A.
Protein change: p.Gly371=; no amino-acid change (glycine 371 retained).
Molecular consequence: synonymous variant. On other transcripts: non-coding transcript variant (1).
Genome position (GRCh38, 1-based): chr6:30,987,288, G>A. VCF-style: chr6-30987288-G-A. GRCh37 (hg19) VCF-style: chr6-30955065-G-A.
Other names: c.1203G>A, p.Gly401= (NM_001322370.2, NM_001322371.2).
Identifiers: ClinVar variation 2656373 (VCV002656373.25), dbSNP rs202206297, ClinGen allele CA136800632.
Genomic context (GRCh38, chr6:30,987,288, plus strand): 5'-CACAACCTCCAGTGGGGCCAGCACAGCCACCAACTCTGGGTCCAGCACGACCTCCAGTGG[G>A]ACCAGCACAGCCACCAACTCTGAGTCCAGCACAGTGTCCAGTGGGGCCAGCACAGCCACC-3'
Protein context (NP_001010909.2, residues 361-381): TNSGSSTTSS[Gly371=]TSTATNSESS

ClinVar aggregate classification (germline): Likely benign. Review status: criteria provided, multiple submitters, no conflicts (2 of 4 stars). 2 submissions from 2 submitters: Likely benign (2). Last evaluated 2025-03-01.

Allele frequency attached by ClinVar (database versions not stated): gnomAD 0.00001.

Submissions (2):

CeGaT Center for Human Genetics Tuebingen
Classification: Likely benign. Last evaluated: 2025-03-01. Review status: criteria provided, single submitter. Criteria: CeGaT Center For Human Genetics Tuebingen Variant Classification Criteria Version 2. Collection method: clinical testing. Allele origin: germline. Affected: yes. Observed: 11 variant alleles.
Comment: MUC21: BP4, BP7

Laboratory of Genetics, Children's Clinical University Hospital Latvia
Classification: Likely benign. Last evaluated: 2025-02-16. Review status: criteria provided, single submitter. Criteria: ACMG Guidelines, 2015. Collection method: clinical testing. Allele origin: germline. Affected: yes.